The following is an entry in ClinVar:

NM_024105.4(ALG12):c.1015T>C (p.Trp339Arg)

Gene: ALG12 (ALG12 alpha-1,6-mannosyltransferase; minus strand). Cytogenetic location: 22q13.33.
Variant type: single nucleotide variant.
Coding change: c.1015T>C on transcript NM_024105.4 (MANE Select); coding-DNA position 1015, T replaced by C.
Protein change: p.Trp339Arg; replaces tryptophan 339 with arginine.
Molecular consequence: missense variant.
Genome position (GRCh38, 1-based): chr22:49,904,484, A>G on the plus strand (T>C on the coding strand, the complement: ALG12 is on the minus strand). VCF-style: chr22-49904484-A-G. GRCh37 (hg19) VCF-style: chr22-50298132-A-G.
Other names: short protein forms W339R.
Identifiers: ClinVar variation 4780558 (VCV004780558.1).

ClinVar aggregate classification (germline): Uncertain significance (1 of 4 stars; one submission).

Conditions:
ALG12-congenital disorder of glycosylation (CDG1G). Also called: CDG Ig; ALG12-CDG; Congenital disorder of glycosylation, type Ig. Identifiers: Orphanet 79324, MedGen C2931001, MONDO:0011783, OMIM 607143.

Submission:

Labcorp Genetics (formerly Invitae), Labcorp
Classification: Uncertain significance for ALG12-congenital disorder of glycosylation. Last evaluated: 2026-01-05. Review status: criteria provided, single submitter. Criteria: Invitae Variant Classification Sherloc (09022015). Collection method: clinical testing. Allele origin: germline.
Comment: This sequence change replaces tryptophan, which is neutral and slightly polar, with arginine, which is basic and polar, at codon 339 of the ALG12 protein (p.Trp339Arg). This variant is not present in population databases (gnomAD no frequency). This variant has not been reported in the literature in individuals affected with ALG12-related conditions. Invitae Evidence Modeling of protein sequence and biophysical properties (such as structural, functional, and spatial information, amino acid conservation, physicochemical variation, residue mobility, and thermodynamic stability) indicates that this missense variant is not expected to disrupt ALG12 protein function with a negative predictive value of 80%. In summary, the available evidence is currently insufficient to determine the role of this variant in disease. Therefore, it has been classified as a Variant of Uncertain Significance.